The following is an entry in ClinVar:

ClinVar aggregate classification (germline): Uncertain significance. Review status: criteria provided, multiple submitters, no conflicts (2 of 4 stars). 2 submissions from 2 submitters: Uncertain significance (2). Last evaluated 2025-08-31.

Conditions:
Hepatic methionine adenosyltransferase deficiency. Also called: Methionine adenosyltransferase deficiency; Deficiency of methionine adenosyltransferase; MAT I/III DEFICIENCY; Isolated Persistent Hypermethioninemia. Identifiers: Orphanet 168598, MedGen C0268621, MeSH C564683, MONDO:0009607, OMIM 250850.
Inborn genetic diseases. Identifiers: MedGen C0950123, MeSH D030342.

Allele frequency attached by ClinVar (database versions not stated): TOPMed below 0.00001; gnomAD 0.00001.

Submissions (2):

Ambry Genetics
Classification: Uncertain significance for Inborn genetic diseases. Last evaluated: 2025-08-31. Review status: criteria provided, single submitter. Criteria: Ambry Variant Classification Scheme 2023. Collection method: clinical testing. Allele origin: germline.

Labcorp Genetics (formerly Invitae), Labcorp
Classification: Uncertain significance for Hepatic methionine adenosyltransferase deficiency. Last evaluated: 2023-09-19. Review status: criteria provided, single submitter. Criteria: Invitae Variant Classification Sherloc (09022015). Collection method: clinical testing. Allele origin: germline.
Comment: ClinVar contains an entry for this variant (Variation ID: 2159645). This sequence change replaces leucine, which is neutral and non-polar, with arginine, which is basic and polar, at codon 222 of the MAT1A protein (p.Leu222Arg). This variant is not present in population databases (gnomAD no frequency). This variant has not been reported in the literature in individuals affected with MAT1A-related conditions. Advanced modeling of protein sequence and biophysical properties (such as structural, functional, and spatial information, amino acid conservation, physicochemical variation, residue mobility, and thermodynamic stability) performed at Invitae indicates that this missense variant is expected to disrupt MAT1A protein function. In summary, the available evidence is currently insufficient to determine the role of this variant in disease. Therefore, it has been classified as a Variant of Uncertain Significance.

NM_000429.3(MAT1A):c.665T>G (p.Leu222Arg)

Gene: MAT1A (methionine adenosyltransferase 1A; minus strand). Cytogenetic location: 10q22.3.
Variant type: single nucleotide variant.
Coding change: c.665T>G on transcript NM_000429.3 (MANE Select); coding-DNA position 665, T replaced by G.
Protein change: p.Leu222Arg; replaces leucine 222 with arginine.
Molecular consequence: missense variant.
Genome position (GRCh38, 1-based): chr10:80,276,479, A>C on the plus strand (T>G on the coding strand, the complement: MAT1A is on the minus strand). VCF-style: chr10-80276479-A-C. GRCh37 (hg19) VCF-style: chr10-82036235-A-C.
Other names: c.665T>G (NM_000429.2); short protein forms L222R.
Identifiers: ClinVar variation 2159645 (VCV002159645.5), dbSNP rs1480103473, ClinGen allele CA377362038.
Genomic context (GRCh38, chr10:80,276,479, plus strand): 5'-TAGACGGTGTCTTCGTCCAGGTACTTGGCCGGCACCACGGCCCTGATGACTTGCTCCTTC[A>C]GGGCCCTGCGCATCTCCTCCAGCGTGATGTCTTCGTTGTGCTGCACAGAGATGACGATGG-3'
Protein context (NP_000420.1, residues 212-232): DITLEEMRRA[Leu222Arg]KEQVIRAVVP